The following is an entry in ClinVar:

NM_004963.4(GUCY2C):c.778G>A (p.Gly260Ser)

Genes: GUCY2C (guanylate cyclase 2C; minus strand), GUCY2C-AS1 (GUCY2C antisense RNA 1; plus strand). Cytogenetic location: 12p12.3.
Variant type: single nucleotide variant.
Coding change: c.778G>A on transcript NM_004963.4 (MANE Select); coding-DNA position 778, G replaced by A.
Protein change: p.Gly260Ser; replaces glycine 260 with serine.
Molecular consequence: missense variant.
Genome position (GRCh38, 1-based): chr12:14,679,709, C>T on the plus strand (G>A on the coding strand, the complement: GUCY2C is on the minus strand). VCF-style: chr12-14679709-C-T. GRCh37 (hg19) VCF-style: chr12-14832643-C-T.
Other names: short protein forms G260S.
Identifiers: ClinVar variation 2860874 (VCV002860874.3), dbSNP rs2497789808, ClinGen allele CA384004821.

ClinVar aggregate classification (germline): Uncertain significance (1 of 4 stars; one submission).

gnomAD v4.1: 3 of 1,602,168 alleles (0.00019%); highest among the groups gnomAD compares: South Asian, 0.0011%; no homozygotes.

Submission:

Labcorp Genetics (formerly Invitae), Labcorp
Classification: Uncertain significance. Last evaluated: 2022-11-07. Review status: criteria provided, single submitter. Criteria: Invitae Variant Classification Sherloc (09022015). Collection method: clinical testing. Allele origin: germline.
Comment: This variant has not been reported in the literature in individuals affected with GUCY2C-related conditions. Advanced modeling of protein sequence and biophysical properties (such as structural, functional, and spatial information, amino acid conservation, physicochemical variation, residue mobility, and thermodynamic stability) performed at Invitae indicates that this missense variant is not expected to disrupt GUCY2C protein function. In summary, the available evidence is currently insufficient to determine the role of this variant in disease. Therefore, it has been classified as a Variant of Uncertain Significance. This sequence change replaces glycine, which is neutral and non-polar, with serine, which is neutral and polar, at codon 260 of the GUCY2C protein (p.Gly260Ser). This variant is not present in population databases (gnomAD no frequency).